The following is an entry in ClinVar:

ClinVar aggregate classification (germline): Uncertain significance (1 of 4 stars; one submission).

Allele frequency attached by ClinVar (database versions not stated): gnomAD 0.00001; ExAC 0.00003.
gnomAD v4.1: 16 of 1,614,086 alleles (0.00099%); highest among the groups gnomAD compares: South Asian, 0.018%; no homozygotes.

Submission:

CeGaT Center for Human Genetics Tuebingen
Classification: Uncertain significance. Last evaluated: 2023-10-01. Review status: criteria provided, single submitter. Criteria: CeGaT Center For Human Genetics Tuebingen Variant Classification Criteria Version 2. Collection method: clinical testing. Allele origin: germline. Affected: yes. Observed: 1 variant allele.
Comment: BTD: PM2, BP4

NM_001370658.1(BTD):c.808G>A (p.Val270Ile)

Gene: BTD (biotinidase; plus strand). Cytogenetic location: 3p25.1.
Variant type: single nucleotide variant.
Coding change: c.808G>A on transcript NM_001370658.1 (MANE Select); coding-DNA position 808, G replaced by A.
Protein change: p.Val270Ile; replaces valine 270 with isoleucine.
Molecular consequence: missense variant. On other transcripts: intron variant (6).
Genome position (GRCh38, 1-based): chr3:15,644,724, G>A. VCF-style: chr3-15644724-G-A. GRCh37 (hg19) VCF-style: chr3-15686231-G-A.
Other names: c.808G>A, p.Val270Ile (NM_001281723.4, NM_001281724.3, NM_001281725.3 and 18 more transcripts); c.399+2667G>A (NM_001370753.1, NM_001407400.1, NM_001407380.1 and 3 more transcripts); short protein forms V270I.
Identifiers: ClinVar variation 2653602 (VCV002653602.22), dbSNP rs754158925, ClinGen allele CA2277388.